The following is an entry in ClinVar:

ClinVar aggregate classification (germline): Uncertain significance. Review status: criteria provided, multiple submitters, no conflicts (2 of 4 stars). 4 submissions from 4 submitters: Uncertain significance (4). Last evaluated 2026-01-09.

Conditions:
Catecholaminergic polymorphic ventricular tachycardia 1. Also called: VENTRICULAR TACHYCARDIA, CATECHOLAMINERGIC POLYMORPHIC, 1, WITH OR WITHOUT ATRIAL DYSFUNCTION AND/OR DILATED CARDIOMYOPATHY; VENTRICULAR TACHYCARDIA, STRESS-INDUCED POLYMORPHIC 1; RYR2-Related Catecholaminergic Polymorphic Ventricular Tachycardia. Identifiers: Orphanet 3286, MedGen C1631597, MONDO:0011484, OMIM 604772.
Catecholaminergic polymorphic ventricular tachycardia 5 (CARDAR). Also called: CARDIAC ARRHYTHMIA SYNDROME, WITH OR WITHOUT SKELETAL MUSCLE WEAKNESS; Ventricular tachycardia, catecholaminergic polymorphic, 5, with or without muscle weakness. Identifiers: Orphanet 3286, MedGen C3809536, MONDO:0014191, OMIM 615441.
Cardiovascular phenotype. Identifiers: MedGen CN230736.

Allele frequency attached by ClinVar (database versions not stated): ExAC 0.00003; TOPMed 0.00004; gnomAD 0.00005; gnomAD exomes 0.00002 and 0.00007.
gnomAD v4.1: 111 of 1,610,812 alleles (0.0069%); highest among the groups gnomAD compares: Non-Finnish European, 0.0092%; no homozygotes.

Submissions (4):

GeneDx
Classification: Uncertain significance. Last evaluated: 2026-01-09. Review status: criteria provided, single submitter. Criteria: GeneDx Variant Classification Process June 2021. Collection method: clinical testing. Allele origin: germline.
Comment: Has not been previously published as pathogenic or benign to our knowledge; Not observed at significant frequency in large population cohorts (gnomAD); In silico analysis suggests that this missense variant does not alter protein structure/function

Ambry Genetics
Classification: Uncertain significance for Cardiovascular phenotype. Last evaluated: 2025-09-25. Review status: criteria provided, single submitter. Criteria: Ambry Variant Classification Scheme 2023. Collection method: clinical testing. Allele origin: germline.
Comment: The p.V454A variant (also known as c.1361T>C), located in coding exon 21 of the TRDN gene, results from a T to C substitution at nucleotide position 1361. The valine at codon 454 is replaced by alanine, an amino acid with similar properties. This amino acid position is well conserved in available vertebrate species; however, alanine is the reference amino acid in other vertebrate species. In addition, this alteration is predicted to be tolerated by in silico analysis. Since supporting evidence is limited at this time, the clinical significance of this alteration remains unclear.

Labcorp Genetics (formerly Invitae), Labcorp
Classification: Uncertain significance for Catecholaminergic polymorphic ventricular tachycardia 1. Last evaluated: 2022-07-17. Review status: criteria provided, single submitter. Criteria: Invitae Variant Classification Sherloc (09022015). Collection method: clinical testing. Allele origin: germline.
Comment: This sequence change replaces valine, which is neutral and non-polar, with alanine, which is neutral and non-polar, at codon 454 of the TRDN protein (p.Val454Ala). This variant is present in population databases (rs745960330, gnomAD 0.004%). This variant has not been reported in the literature in individuals affected with TRDN-related conditions. ClinVar contains an entry for this variant (Variation ID: 408734). Algorithms developed to predict the effect of missense changes on protein structure and function output the following: SIFT: "Tolerated"; PolyPhen-2: "Probably Damaging"; Align-GVGD: "Class C0". The alanine amino acid residue is found in multiple mammalian species, which suggests that this missense change does not adversely affect protein function. In summary, the available evidence is currently insufficient to determine the role of this variant in disease. Therefore, it has been classified as a Variant of Uncertain Significance.

Fulgent Genetics
Classification: Uncertain significance for Catecholaminergic polymorphic ventricular tachycardia 1; Catecholaminergic polymorphic ventricular tachycardia 5. Last evaluated: 2022-01-07. Review status: criteria provided, single submitter. Criteria: ACMG Guidelines, 2015. Collection method: clinical testing. Allele origin: unknown.

NM_006073.4(TRDN):c.1361T>C (p.Val454Ala)

Gene: TRDN (triadin; minus strand). Cytogenetic location: 6q22.31.
Variant type: single nucleotide variant.
Coding change: c.1361T>C on transcript NM_006073.4 (MANE Select); coding-DNA position 1361, T replaced by C.
Protein change: p.Val454Ala; replaces valine 454 with alanine.
Molecular consequence: missense variant.
Genome position (GRCh38, 1-based): chr6:123,352,547, A>G on the plus strand (T>C on the coding strand, the complement: TRDN is on the minus strand). VCF-style: chr6-123352547-A-G. GRCh37 (hg19) VCF-style: chr6-123673692-A-G.
Other names: c.1364T>C, p.Val455Ala (NM_001251987.2); short protein forms V454A, V455A.
Identifiers: ClinVar variation 408734 (VCV000408734.14), dbSNP rs745960330, ClinGen allele CA3983986.
Genomic context (GRCh38, chr6:123,352,547, plus strand): 5'-TGTTGTTGTCTTTCTAAAGAAGATAATGTCAACCTCCTTCATTTTTTTTTACCTTGCTCC[A>G]CTGTCTTGGTTGTTTTCTCTTCCTTCTTTCCAGGTACAGCTGCAAAACAAAGATAAGGTT-3'
Protein context (NP_006064.2, residues 444-464): GKKEEKTTKT[Val454Ala]EQEIRKEKSG